The following is an entry in ClinVar:

ClinVar aggregate classification (germline): Uncertain significance (1 of 4 stars; one submission).

Conditions:
Combined immunodeficiency due to LRBA deficiency. Also called: Common variable immunodeficiency 8, with autoimmunity. Identifiers: Orphanet 445018, MedGen C3553512, MONDO:0013863, OMIM 614700.

Allele frequency attached by ClinVar (database versions not stated): gnomAD exomes below 0.00001; ExAC 0.00002.
gnomAD v4.1: 1 of 1,606,566 alleles (0.000062%); highest among the groups gnomAD compares: Non-Finnish European, 0.000085%; no homozygotes.

Submission:

Labcorp Genetics (formerly Invitae), Labcorp
Classification: Uncertain significance for Combined immunodeficiency due to LRBA deficiency. Last evaluated: 2022-06-09. Review status: criteria provided, single submitter. Criteria: Invitae Variant Classification Sherloc (09022015). Collection method: clinical testing. Allele origin: germline.
Comment: This sequence change replaces glycine, which is neutral and non-polar, with aspartic acid, which is acidic and polar, at codon 1496 of the LRBA protein (p.Gly1496Asp). This variant is present in population databases (rs761565399, gnomAD 0.002%), including at least one homozygous and/or hemizygous individual. This variant has not been reported in the literature in individuals affected with LRBA-related conditions. Algorithms developed to predict the effect of missense changes on protein structure and function are either unavailable or do not agree on the potential impact of this missense change (SIFT: "Tolerated"; PolyPhen-2: "Possibly Damaging"; Align-GVGD: "Class C0"). In summary, the available evidence is currently insufficient to determine the role of this variant in disease. Therefore, it has been classified as a Variant of Uncertain Significance.

NM_001364905.1(LRBA):c.4487G>A (p.Gly1496Asp)

Gene: LRBA (LPS responsive beige-like anchor protein; minus strand). Cytogenetic location: 4q31.3.
Variant type: single nucleotide variant.
Coding change: c.4487G>A on transcript NM_001364905.1 (MANE Select); coding-DNA position 4487, G replaced by A.
Protein change: p.Gly1496Asp; replaces glycine 1496 with aspartic acid.
Molecular consequence: missense variant.
Genome position (GRCh38, 1-based): chr4:150,844,182, C>T on the plus strand (G>A on the coding strand, the complement: LRBA is on the minus strand). VCF-style: chr4-150844182-C-T. GRCh37 (hg19) VCF-style: chr4-151765334-C-T.
Other names: c.4487G>A, p.Gly1496Asp (NM_001199282.3, NM_001367550.1, NM_006726.5); short protein forms G1496D.
Identifiers: ClinVar variation 1925234 (VCV001925234.2), dbSNP rs761565399, ClinGen allele CA3102739.